The following is an entry in ClinVar:

ClinVar aggregate classification (germline): Pathogenic. Review status: criteria provided, multiple submitters, no conflicts (2 of 4 stars). 12 submissions from 11 submitters: Pathogenic (8). 4 of the submissions do not count toward it. Last evaluated 2025-11-30.

Conditions:
Tuberous sclerosis 2 (TSC2). Identifiers: Orphanet 805, MedGen C1860707, MONDO:0013199, OMIM 613254.
Hereditary cancer-predisposing syndrome. Also called: Neoplastic Syndromes, Hereditary; Tumor predisposition; Hereditary Cancer Syndrome; Hereditary neoplastic syndrome. Identifiers: Orphanet 140162, MedGen C0027672, MeSH D009386, MONDO:0015356.
Tuberous sclerosis syndrome (TSC). Also called: Tuberous Sclerosis Complex; Tuberous sclerosis. Identifiers: Orphanet 805, MedGen C0041341, MONDO:0001734.

Submissions (12):

Labcorp Genetics (formerly Invitae), Labcorp
Classification: Pathogenic for Tuberous sclerosis 2. Last evaluated: 2025-11-30. Review status: criteria provided, single submitter. Criteria: Invitae Variant Classification Sherloc (09022015). Collection method: clinical testing. Allele origin: germline.
Comment: This sequence change creates a premature translational stop signal (p.Asn1515Serfs*60) in the TSC2 gene. It is expected to result in an absent or disrupted protein product. Loss-of-function variants in TSC2 are known to be pathogenic (PMID: 10205261, 17304050). This variant is not present in population databases (gnomAD no frequency). This premature translational stop signal has been observed in individuals with tuberous sclerosis (PMID: 9302281, 11112665, 12111193, 15595939, 21520333). Invitae Evidence Modeling of clinical and family history, age, sex, and reported ancestry of multiple individuals with this TSC2 variant has been performed. This variant is expected to be pathogenic with a positive predictive value of at least 99%. This is a validated machine learning model that incorporates the clinical features of 1,224,362 individuals referred to our laboratory for TSC2 testing. ClinVar contains an entry for this variant (Variation ID: 49304). For these reasons, this variant has been classified as Pathogenic.

GeneDx
Classification: Pathogenic. Last evaluated: 2025-11-12. Review status: criteria provided, single submitter. Criteria: GeneDx Variant Classification Process June 2021. Collection method: clinical testing. Allele origin: germline. Affected: yes.
Comment: Frameshift variant predicted to result in protein truncation or nonsense mediated decay in a gene for which loss of function is a known mechanism of disease; Published functional studies suggest this variant results in reduced expression, impairment of neural progenitor cells, and decreased activation of mTORC1 activation in patient derived cells (PMID: 30144504); Not observed at significant frequency in large population cohorts (gnomAD); This variant is associated with the following publications: (PMID: 25782670, 21811971, 12111193, 10607950, 16981987, 11112665, 9463313, 15798777, 32216820, 28191889, 35712104, 35231114, 36964972, 36232477, 39596632, 38806662, 30144504, 9302281, 15595939, 17304050)

Cambridge Genomics Laboratory, East Genomic Laboratory Hub, NHS Genomic Medicine Service
Classification: Pathogenic for Tuberous sclerosis. Last evaluated: 2024-06-04. Review status: criteria provided, single submitter. Criteria: ACGS Best Practice Guidelines for Variant Classification in Rare Disease 2020. Collection method: clinical testing. Allele origin: germline. Affected: yes.
Comment: PVS1,PM2

Mayo Clinic Laboratories, Mayo Clinic
Classification: Pathogenic. Last evaluated: 2023-02-21. Review status: criteria provided, single submitter. Criteria: ACMG Guidelines, 2015. Collection method: clinical testing. Allele origin: germline. Observed: 1 variant allele.
Comment: PP4, PM2, PS4_moderate, PVS1

Genome-Nilou Lab
Classification: Pathogenic for Tuberous sclerosis 2. Last evaluated: 2021-11-07. Review status: criteria provided, single submitter. Criteria: ACMG Guidelines, 2015. Collection method: clinical testing. Allele origin: germline. Affected: no.

Ambry Genetics
Classification: Pathogenic for Hereditary cancer-predisposing syndrome. Last evaluated: 2017-10-03. Review status: criteria provided, single submitter. Criteria: Ambry Variant Classification Scheme 2023. Collection method: clinical testing. Allele origin: germline.
Comment: The c.4544_4547delACAA pathogenic mutation, located in coding exon 34 of the TSC2 gene, results from a deletion of 4 nucleotides at nucleotide positions 4544 to 4547, causing a translational frameshift with a predicted alternate stop codon (p.N1515Sfs*60). This pathogenic mutation has been reported in multiple individuals diagnosed with tuberous sclerosis complex (TSC) (Ali M et al. Acta Neurol. Scand. 2005 Jan;111:54-63; Au KS et al. Genet. Med., 2007 Feb;9:88-100). In addition to the clinical data presented in the literature, this alteration is expected to result in loss of function by premature protein truncation or nonsense-mediated mRNA decay. As such, this alteration is interpreted as a disease-causing mutation.

Eurofins Ntd Llc (ga)
Classification: Pathogenic. Last evaluated: 2017-06-21. Review status: criteria provided, single submitter. Criteria: EGL Classification Definitions 2015. Collection method: clinical testing. Allele origin: germline. Observed: 1 variant allele, 1 heterozygote.

Athena Diagnostics
Classification: Pathogenic for Tuberous sclerosis 2. Last evaluated: 2014-12-19. Review status: criteria provided, single submitter. Criteria: Athena Diagnostics Criteria. Collection method: clinical testing. Allele origin: germline. Inheritance: Autosomal dominant inheritance.

Clinical Genetics Laboratory, University Hospital Schleswig-Holstein
Classification: Pathogenic for Tuberous sclerosis 2. Last evaluated: 2024-06-27. Review status: no assertion criteria provided. Collection method: clinical testing. Allele origin: germline. Affected: yes. Not counted in ClinVar's aggregate classification.

Division of Genomic Medicine, Department of Advanced Medicine, Medical Research Institute, Kanazawa Medical University
Classification: Pathogenic for Tuberous sclerosis 2. Last evaluated: 2020-06-11. Review status: no assertion criteria provided. Collection method: clinical testing. Allele origin: germline. Affected: yes. Observed: 1 variant allele. Not counted in ClinVar's aggregate classification.

Tuberous sclerosis database (TSC2)
No classification provided. Condition: TSC. Review status: no classification provided. Criteria: Tuberous Sclerosis Database Assertion Criteria 2015. Collection method: curation. Allele origin: germline. Affected: yes. Not counted in ClinVar's aggregate classification.

Tuberous sclerosis database (TSC2)
No classification provided. Condition: TSC. Review status: flagged submission. Criteria: Tuberous Sclerosis Database Assertion Criteria 2015. Collection method: curation. Allele origin: germline. Affected: yes. Not counted in ClinVar's aggregate classification.
ClinVar note: Reason: This record appears to be redundant with a more recent record from the same submitter.
ClinVar note: Notes: SCV000066356 appears to be redundant with SCV000066357.

Literature cited by the submitters: PubMed 10205261 (cited by Labcorp Genetics (formerly Invitae), Labcorp); PubMed 17304050 (cited by Labcorp Genetics (formerly Invitae), Labcorp and Ambry Genetics); PubMed 9302281 (cited by Labcorp Genetics (formerly Invitae), Labcorp and Ambry Genetics); PubMed 11112665 (cited by Labcorp Genetics (formerly Invitae), Labcorp and Mayo Clinic Laboratories, Mayo Clinic); PubMed 12111193 (cited by Labcorp Genetics (formerly Invitae), Labcorp); PubMed 15595939 (cited by 4 submitters); PubMed 21520333 (cited by Labcorp Genetics (formerly Invitae), Labcorp); PubMed 32216820 (cited by Mayo Clinic Laboratories, Mayo Clinic); PubMed 35712104 (cited by Mayo Clinic Laboratories, Mayo Clinic); PubMed 10607950 (cited by Athena Diagnostics).

NM_000548.5(TSC2):c.4544_4547del (p.Asn1515fs)

Gene: TSC2 (TSC complex subunit 2; plus strand). Cytogenetic location: 16p13.3.
Variant type: Deletion.
Coding change: c.4544_4547del on transcript NM_000548.5 (MANE Select); coding-DNA positions 4544 to 4547, 4 bases deleted (ACAA; older notation c.4544_4547delACAA).
Protein change: p.Asn1515fs; shifts the reading frame from asparagine 1515.
Molecular consequence: frameshift variant.
Genome position (GRCh38, 1-based): chr16:2,085,001-2,085,004, ACAA deleted; deleting any 4 consecutive bases within chr16:2,084,998-2,085,004 gives the same sequence; the c. name uses the placement nearest the transcript's 3' end. VCF-style (leftmost placement, unchanged base first): chr16-2084997-TCAAA-T. GRCh37 (hg19) VCF-style: chr16-2134998-TCAAA-T.
Other names: p.Asn1515Serfs*60; c.4544_4547delACAA (NM_000548.5, NM_000548.3); c.4343_4346del, p.Asn1448fs (NM_001077183.3); c.4475_4478del, p.Asn1492fs (NM_001114382.3); c.4235_4238del, p.Asn1412fs (NM_001318827.2); c.4199_4202del, p.Asn1400fs (NM_001318829.2); c.3812_3815del, p.Asn1271fs (NM_001318831.2); c.4376_4379del, p.Asn1459fs (NM_001318832.2); and 3 more; short protein forms N1271fs, N1449fs, N1515fs, N1472fs, N1400fs, N1448fs, N1459fs, N1492fs.
Identifiers: ClinVar variation 49304 (VCV000049304.24), dbSNP rs137854175, ClinGen allele CA020626.